The following is an entry in ClinVar:

NM_001374353.1(GLI2):c.2002G>A (p.Gly668Arg)

Gene: GLI2 (GLI family zinc finger 2; plus strand). Cytogenetic location: 2q14.2.
Variant type: single nucleotide variant.
Coding change: c.2002G>A on transcript NM_001374353.1 (MANE Select); coding-DNA position 2002, G replaced by A.
Protein change: p.Gly668Arg; replaces glycine 668 with arginine.
Molecular consequence: missense variant.
Genome position (GRCh38, 1-based): chr2:120,986,374, G>A. VCF-style: chr2-120986374-G-A. GRCh37 (hg19) VCF-style: chr2-121743950-G-A.
Other names: c.2053G>A, p.Gly685Arg (NM_001371271.1, NM_005270.5); c.1627G>A, p.Gly543Arg (NM_001374354.1); short protein forms G543R, G668R, G685R.
Identifiers: ClinVar variation 4686618 (VCV004686618.1).
Genomic context (GRCh38, chr2:120,986,374, plus strand): 5'-AGCAGCGAGCCCTCTCCTCTGGGCAGTGCCCCCAACAATGACAGTGGCGTGGAGATGCCG[G>A]GGACGGGGCCCGGGAGCCTGGGAGACCTGACGGCACTGGATGACACACCCCCAGGGGCCG-3'
Protein context (NP_001361282.1, residues 658-678): PNNDSGVEMP[Gly668Arg]TGPGSLGDLT

ClinVar aggregate classification (germline): Likely benign (1 of 4 stars; one submission).

Conditions:
Postaxial polydactyly-anterior pituitary anomalies-facial dysmorphism syndrome. Also called: Culler-Jones syndrome. Identifiers: Orphanet 420584, MedGen C4014479, MONDO:0014369, OMIM 615849.

gnomAD v4.1: 8 of 1,613,516 alleles (0.0005%); highest among the groups gnomAD compares: South Asian, 0.0055%; no homozygotes.

Submission:

Medical Genetics Laboratory, Niloo Shiraz Laboratory
Classification: Likely benign for Postaxial polydactyly-anterior pituitary anomalies-facial dysmorphism syndrome. Review status: criteria provided, single submitter. Criteria: ACMG Guidelines, 2015. Collection method: clinical testing. Allele origin: germline. Inheritance: Autosomal dominant inheritance. Affected: no.
Comment: In the Niloo Genome database, there is one healthy man who carries the GLI2:NM_005270:c.G2053A variant. Given its presence in a phenotypically normal individual and lack of supporting evidence for pathogenicity, this mutation is classified as likely benign.